The following is an entry in ClinVar:

ClinVar aggregate classification (germline): Pathogenic (1 of 4 stars; one submission).

Submission:

GeneDx
Classification: Pathogenic. Last evaluated: 2017-01-04. Review status: criteria provided, single submitter. Criteria: GeneDx Variant Classification (06012015). Collection method: clinical testing. Allele origin: germline. Affected: yes.
Comment: The R215X variant in the USP9X gene has not been reported previously as a pathogenic variant nor as a benign variant, to our knowledge. This variant is predicted to cause loss of normal protein function either through protein truncation or nonsense-mediated mRNA decay. The R215X variant was not observed in approximately 6500 individuals of European and African American ancestry in the NHLBI Exome Sequencing Project, indicating it is not a common benign variant in these populations. We interpret R215X as a pathogenic variant.

NM_001039591.3(USP9X):c.643C>T (p.Arg215Ter)

Gene: USP9X (ubiquitin specific peptidase 9 X-linked; plus strand). Cytogenetic location: Xp11.4.
Variant type: single nucleotide variant.
Coding change: c.643C>T on transcript NM_001039591.3 (MANE Select); coding-DNA position 643, C replaced by T.
Protein change: p.Arg215Ter; replaces arginine 215 with a stop codon.
Molecular consequence: nonsense.
Genome position (GRCh38, 1-based): chrX:41,137,011, C>T. VCF-style: chrX-41137011-C-T. GRCh37 (hg19) VCF-style: chrX-40996264-C-T.
Other names: c.643C>T, p.Arg215Ter (NM_001039590.3); short protein forms R215*.
Identifiers: ClinVar variation 391824 (VCV000391824.2), dbSNP rs1057524248, ClinGen allele CA16608464.
Genomic context (GRCh38, chrX:41,137,011, plus strand): 5'-TCAGTTTCCTCAAGTGTTCAGTTGCCTGAAGATGAACTCTTTGCTCGTTCTCCAGATCCT[C>T]GATCACCAAAGGTGTGTTGGTTTGTTATTTTCAAAATTAAATAATACAATTGTTTTGTTC-3'